The following is an entry in ClinVar:

NM_139057.4(ADAMTS17):c.*82G>A

Gene: ADAMTS17 (ADAM metallopeptidase with thrombospondin type 1 motif 17; minus strand). Cytogenetic location: 15q26.3.
Variant type: single nucleotide variant.
Coding change: c.*82G>A on transcript NM_139057.4 (MANE Select); 82 bases downstream of the stop codon, G replaced by A.
Molecular consequence: 3 prime UTR variant.
Genome position (GRCh38, 1-based): chr15:99,974,320, C>T on the plus strand (G>A on the coding strand, the complement: ADAMTS17 is on the minus strand). VCF-style: chr15-99974320-C-T. GRCh37 (hg19) VCF-style: chr15-100514525-C-T.
Identifiers: ClinVar variation 315245 (VCV000315245.10), dbSNP rs3825894, ClinGen allele CA10636921.

ClinVar aggregate classification (germline): Benign. Review status: criteria provided, multiple submitters, no conflicts (2 of 4 stars). 4 submissions from 4 submitters: Benign (4). Last evaluated 2021-07-14.

Conditions:
Weill-Marchesani 4 syndrome, recessive. Also called: Weill-Marchesani syndrome 4. Identifiers: Orphanet 363992, MedGen C2750787, MONDO:0013176, OMIM 613195.

Allele frequency attached by ClinVar (database versions not stated): 1000 Genomes Project 30x 0.33432; 1000 Genomes Project 0.33846; TOPMed 0.37430; gnomAD 0.39172 and 0.39255.
gnomAD v4.1: 758,250 of 1,578,694 alleles (48%); highest among the groups gnomAD compares: Non-Finnish European, 52%; 188,786 homozygotes.

Submissions (4):

Genome-Nilou Lab
Classification: Benign for Weill-Marchesani 4 syndrome, recessive. Last evaluated: 2021-07-14. Review status: criteria provided, single submitter. Criteria: ACMG Guidelines, 2015. Collection method: clinical testing. Allele origin: germline. Affected: no.

GeneDx
Classification: Benign. Last evaluated: 2019-04-16. Review status: criteria provided, single submitter. Criteria: GeneDx Variant Classification Process June 2021. Collection method: clinical testing. Allele origin: germline. Affected: yes.

Illumina Laboratory Services, Illumina
Classification: Benign for Weill-Marchesani 4 syndrome, recessive. Last evaluated: 2018-01-13. Review status: criteria provided, single submitter. Criteria: ICSL Variant Classification Criteria 13 December 2019. Collection method: clinical testing. Allele origin: germline.
Comment: This variant was observed in the ICSL laboratory as part of a predisposition screen in an ostensibly healthy population. It had not been previously curated by ICSL or reported in the Human Gene Mutation Database (HGMD: prior to June 1st, 2018), and was therefore a candidate for classification through an automated scoring system. Utilizing variant allele frequency, disease prevalence and penetrance estimates, and inheritance mode, an automated score was calculated to assess if this variant is too frequent to cause the disease. Based on the score and internal cut-off values, a variant classified as benign is not then subjected to further curation. The score for this variant resulted in a classification of benign for this disease.

Breakthrough Genomics
Classification: Benign. Review status: criteria provided, single submitter. Criteria: ACMG Guidelines, 2015. Collection method: not provided. Allele origin: germline. Inheritance: Autosomal recessive inheritance. Affected: yes.